The following is an entry in ClinVar:

NM_006329.4(FBLN5):c.-458G>A

Gene: FBLN5 (fibulin 5; minus strand). Cytogenetic location: 14q32.12.
Variant type: single nucleotide variant.
Coding change: c.-458G>A on transcript NM_006329.4 (MANE Select); 458 bases upstream of the start codon, G replaced by A.
Molecular consequence: 5 prime UTR variant.
Genome position (GRCh38, 1-based): chr14:91,947,687, C>T on the plus strand (G>A on the coding strand, the complement: FBLN5 is on the minus strand). VCF-style: chr14-91947687-C-T. GRCh37 (hg19) VCF-style: chr14-92414031-C-T.
Other names: c.-458G>A (NM_001384158.1, NM_001384160.1); c.-727G>A (NM_001384161.1, NM_001384162.1).
Identifiers: ClinVar variation 314893 (VCV000314893.5), dbSNP rs369441736, ClinGen allele CA10635525.

ClinVar aggregate classification (germline): Benign. Review status: criteria provided, single submitter (1 of 4 stars). 2 submissions from 1 submitter: Benign (2). Last evaluated 2018-01-12.

Conditions:
Cutis laxa. Identifiers: Orphanet 209, MedGen C0010495, MONDO:0016175, HP:0000973.
Macular degeneration, age-related, 3 (ARMD3). Identifiers: Orphanet 280598, MedGen C1837187, MONDO:0012145, OMIM 608895.

Allele frequency attached by ClinVar (database versions not stated): gnomAD 0.00002 and 0.00074; TOPMed 0.00011; gnomAD exomes 0.00158; 1000 Genomes Project 0.00479.
gnomAD v4.1: 120 of 157,248 alleles (0.076%); highest among the groups gnomAD compares: South Asian, 2.3%; 2 homozygotes.

Submissions (2):

Illumina Laboratory Services, Illumina
Classification: Benign for Cutis laxa. Last evaluated: 2018-01-12. Review status: criteria provided, single submitter. Criteria: ICSL Variant Classification Criteria 13 December 2019. Collection method: clinical testing. Allele origin: germline.
Comment: This variant was observed in the ICSL laboratory as part of a predisposition screen in an ostensibly healthy population. It had not been previously curated by ICSL or reported in the Human Gene Mutation Database (HGMD: prior to June 1st, 2018), and was therefore a candidate for classification through an automated scoring system. Utilizing variant allele frequency, disease prevalence and penetrance estimates, and inheritance mode, an automated score was calculated to assess if this variant is too frequent to cause the disease. Based on the score and internal cut-off values, a variant classified as benign is not then subjected to further curation. The score for this variant resulted in a classification of benign for this disease.

Illumina Laboratory Services, Illumina
Classification: Benign for Macular degeneration, age-related, 3. Last evaluated: 2018-01-12. Review status: criteria provided, single submitter. Criteria: ICSL Variant Classification Criteria 13 December 2019. Collection method: clinical testing. Allele origin: germline.
Comment: the same text as in the submission from Illumina Laboratory Services, Illumina above.